The following is an entry in ClinVar:

NM_001371333.1(DIABLO):c.19T>A (p.Trp7Arg)

Genes: DIABLO (diablo IAP-binding mitochondrial protein; minus strand), LOC130009040 (ATAC-STARR-seq lymphoblastoid active region 7211; plus strand). Cytogenetic location: 12q24.31.
Variant type: single nucleotide variant.
Coding change: c.19T>A on transcript NM_001371333.1 (MANE Select); coding-DNA position 19, T replaced by A.
Protein change: p.Trp7Arg; replaces tryptophan 7 with arginine.
Molecular consequence: missense variant. On other transcripts: 5 prime UTR variant (3).
Genome position (GRCh38, 1-based): chr12:122,225,996, A>T on the plus strand (T>A on the coding strand, the complement: DIABLO is on the minus strand). VCF-style: chr12-122225996-A-T. GRCh37 (hg19) VCF-style: chr12-122710543-A-T.
Other names: c.-112T>A (NM_001278302.1, NM_138930.3); c.-68T>A (NM_001278303.1); c.19T>A, p.Trp7Arg (NM_001278342.1, NM_019887.6); short protein forms W7R.
Identifiers: ClinVar variation 228571 (VCV000228571.19), dbSNP rs139511903, ClinGen allele CA6844107.

ClinVar aggregate classification (germline): Conflicting classifications of pathogenicity. Review status: criteria provided, conflicting classifications (1 of 4 stars). 5 submissions from 5 submitters: Uncertain significance (1); Likely benign (3). 1 of the submissions does not count toward it. Last evaluated 2025-12-16.

Conditions:
DIABLO-related disorder. Also called: DIABLO-related condition.

Allele frequency attached by ClinVar (database versions not stated): TOPMed 0.00036; gnomAD 0.00039 and 0.00041; gnomAD exomes 0.00041; ESP Exome Variant Server 0.00046; ExAC 0.00089.
gnomAD v4.1: 1,063 of 1,603,436 alleles (0.066%); highest among the groups gnomAD compares: Non-Finnish European, 0.087%; 1 homozygote.

Submissions (5):

Labcorp Genetics (formerly Invitae), Labcorp
Classification: Likely benign. Last evaluated: 2025-12-16. Review status: criteria provided, single submitter. Criteria: Invitae Variant Classification Sherloc (09022015). Collection method: clinical testing. Allele origin: germline.

Blueprint Genetics
Classification: Likely benign. Last evaluated: 2024-10-09. Review status: criteria provided, single submitter. Criteria: ACMG Guidelines, 2015. Collection method: clinical testing. Allele origin: germline.

GeneDx
Classification: Likely benign. Last evaluated: 2020-06-22. Review status: criteria provided, single submitter. Criteria: GeneDx Variant Classification Process June 2021. Collection method: clinical testing. Allele origin: germline. Affected: yes.
Comment: In silico analysis supports that this missense variant has a deleterious effect on protein structure/function; Has not been previously published as pathogenic or benign to our knowledge

Laboratory for Molecular Medicine, Mass General Brigham Personalized Medicine
Classification: Uncertain significance. Last evaluated: 2015-06-02. Review status: criteria provided, single submitter. Criteria: LMM Criteria. Collection method: clinical testing. Allele origin: germline. Observed: 1 variant allele.
Comment: Variant classified as Uncertain Significance - Favor Benign. The p.Trp7Arg varia nt in DIABLO has not been previously reported in individuals with hearing loss, but has been identified in 0.16% (43/27134) European chromosomes by the Exome Ag gregation Consortium (ExAC; dbSNP rs139511903). Computational prediction tools and conservation analysis suggest that this varia nt may not impact the protein, though this information is not predictive enough to rule out pathogenicity. In summary, while the clinical significance of the p. Trp7Arg variant is uncertain, its frequency in general population suggests that it is more likely to be benign.

PreventionGenetics, part of Exact Sciences
Classification: Likely benign for DIABLO-related condition. Last evaluated: 2021-05-25. Review status: no assertion criteria provided. Collection method: clinical testing. Allele origin: germline. Not counted in ClinVar's aggregate classification.
Comment: This variant is classified as likely benign based on ACMG/AMP sequence variant interpretation guidelines (Richards et al. 2015 PMID: 25741868, with internal and published modifications).